The following is an entry in ClinVar:

NM_000297.4(PKD2):c.741C>G (p.Tyr247Ter)

Gene: PKD2 (polycystin 2, transient receptor potential cation channel; plus strand). Cytogenetic location: 4q22.1.
Variant type: single nucleotide variant.
Coding change: c.741C>G on transcript NM_000297.4 (MANE Select); coding-DNA position 741, C replaced by G.
Protein change: p.Tyr247Ter; replaces tyrosine 247 with a stop codon.
Molecular consequence: nonsense. On other transcripts: non-coding transcript variant (1).
Genome position (GRCh38, 1-based): chr4:88,036,251, C>G. VCF-style: chr4-88036251-C-G. GRCh37 (hg19) VCF-style: chr4-88957403-C-G.
Other names: c.741C>G (NM_000297.3); short protein forms Y247*.
Identifiers: ClinVar variation 811568 (VCV000811568.17), dbSNP rs1578129049, ClinGen allele CA357631106.

ClinVar aggregate classification (germline): Pathogenic. Review status: criteria provided, multiple submitters, no conflicts (2 of 4 stars). 6 submissions from 6 submitters: Pathogenic (5). 1 of the submissions does not count toward it. Last evaluated 2025-09-29.

Conditions:
Polycystic kidney disease 2 (PKD2). Also called: Polycystic Kidney Disease 2, Autosomal Dominant; POLYCYSTIC KIDNEY DISEASE, ADULT, TYPE II; POLYCYSTIC KIDNEY DISEASE 2 WITH OR WITHOUT POLYCYSTIC LIVER DISEASE. Identifiers: MedGen C2751306, MONDO:0013131, OMIM 613095.
Polycystic kidney disease. Also called: Kidney, Polycystic; Polycystic kidney dysplasia. Identifiers: MedGen C0022680, MeSH D007690, MONDO:0020642, HP:0000113.

Submissions (6):

Victorian Clinical Genetics Services, Murdoch Childrens Research Institute
Classification: Pathogenic for Polycystic kidney disease 2. Last evaluated: 2025-09-29. Review status: criteria provided, single submitter. Criteria: ACMG Guidelines, 2015. Collection method: clinical testing. Allele origin: germline. Affected: yes.
Comment: This variant is classified as Pathogenic. Evidence in support of pathogenic classification: Variant is predicted to cause nonsense-mediated decay (NMD) and loss of protein (premature termination codon is located at least 54 nucleotides upstream of the final exon-exon junction); Variant is absent from gnomAD (v2, v3 and v4); This variant has strong previous evidence of pathogenicity in unrelated individuals. This variant has been classified as pathogenic by multiple clinical laboratories in ClinVar; Other NMD-predicted variant(s) comparable to the one identified in this case have very strong previous evidence for pathogenicity (DECIPHER). Additional information: This variant is heterozygous; This gene is associated with autosomal dominant disease; Loss of function is a known mechanism of disease in this gene and is associated with polycystic kidney disease 2 (MIM#613095); Inheritance information for this variant is not currently available in this individual.

GeneDx
Classification: Pathogenic. Last evaluated: 2025-08-11. Review status: criteria provided, single submitter. Criteria: GeneDx Variant Classification Process June 2021. Collection method: clinical testing. Allele origin: germline.
Comment: Nonsense variant predicted to result in protein truncation or nonsense mediated decay in a gene for which loss of function is a known mechanism of disease; Not observed at significant frequency in large population cohorts (gnomAD); This variant is associated with the following publications: (PMID: 37468838, 35778421, 37509056)

Fulgent Genetics
Classification: Pathogenic for Polycystic kidney disease 2. Last evaluated: 2022-02-24. Review status: criteria provided, single submitter. Criteria: ACMG Guidelines, 2015. Collection method: clinical testing. Allele origin: unknown.

Illumina Laboratory Services, Illumina
Classification: Pathogenic for Polycystic kidney disease 2. Last evaluated: 2021-02-22. Review status: criteria provided, single submitter. Criteria: ICSLVariantClassificationCriteria RUGD 01 April 2020. Collection method: clinical testing. Allele origin: unknown.
Comment: The PKD2 c.741C>G (p.Tyr247Ter) variant is a stop-gained variant that is predicted to result in a premature termination of the protein. A literature search was performed for the gene, cDNA change, and amino acid change. No publications were found based on this search. This variant is not found in the Genome Aggregation Database in a region of good sequence coverage, so the variant is presumed to be rare. Based on the available evidence and application of the ACMG criteria, the p.Tyr247Ter variant is classified as pathogenic for autosomal dominant polycystic kidney disease.

ARUP Laboratories, Molecular Genetics and Genomics, ARUP Laboratories
Classification: Pathogenic for Polycystic kidney disease 2. Last evaluated: 2018-07-11. Review status: criteria provided, single submitter. Criteria: ARUP Molecular Germline Variant Investigation Process. Collection method: clinical testing. Allele origin: germline.
Comment: The PKD2 c.741C>G; p.Tyr247Ter variant, to our knowledge, is not reported in the medical literature or gene specific databases. This variant is also absent from general population databases (1000 Genomes Project, Exome Variant Server, and Genome Aggregation Database), indicating it is not a common polymorphism. This variant induces an early termination codon and is predicted to result in a truncated protein or mRNA subject to nonsense-mediated decay. Truncating, loss-of-function variants in PKD2 are an established mechanism of disease (Harris 2013), and such variants located downstream of the c.741C>G; p.Tyr247Ter variant have been identified in affected individuals (Cornec-Le Gall 2017). Based on available information, this variant is considered to be pathogenic. References: Cornec-Le Gall E et al. PKD2-Related Autosomal Dominant Polycystic Kidney Disease: Prevalence, Clinical Presentation, Mutation Spectrum, and Prognosis. Am J Kidney Dis. 2017 Oct;70(4):476-485. Harris PC and Hopp K. The mutation, a key determinant of phenotype in ADPKD. J Am Soc Nephrol. 2013 May;24(6):868-70.

Department of Pathology and Laboratory Medicine, Sinai Health System
Classification: Pathogenic for Polycystic Kidney disease. Review status: no assertion criteria provided. Collection method: clinical testing. Allele origin: unknown. Affected: yes. Study: The Canadian Open Genetics Repository (COGR). Not counted in ClinVar's aggregate classification.
Comment: The PKD2 p.Tyr247* variant was not identified in the literature nor was it identified in the dbSNP, ClinVar, LOVD 3.0, ADPKD Mutation Database, PKD1-LOVD, the Exome Aggregation Consortium (August 8th 2016), or the Genome Aggregation Database (Feb 27, 2017). The c.741C>G variant leads to a premature stop codon at position 247 which is predicted to lead to a truncated or absent protein and loss of function. Loss of function variants of the PKD2 gene are an established mechanism of disease in autosomal dominant polycystic kidney disease and is the type of variant expected to cause the disorder. In summary, based on the above information this variant meets our laboratoryâ€šÃ„Ã´s criteria to be classified as pathogenic